The following is an entry in ClinVar:

NM_000094.4(COL7A1):c.3039G>C (p.Gln1013His)

Gene: COL7A1 (collagen type VII alpha 1 chain; minus strand). Cytogenetic location: 3p21.31.
Variant type: single nucleotide variant.
Coding change: c.3039G>C on transcript NM_000094.4 (MANE Select); coding-DNA position 3039, G replaced by C.
Protein change: p.Gln1013His; replaces glutamine 1013 with histidine.
Molecular consequence: missense variant.
Genome position (GRCh38, 1-based): chr3:48,587,290, C>G on the plus strand (G>C on the coding strand, the complement: COL7A1 is on the minus strand). VCF-style: chr3-48587290-C-G. GRCh37 (hg19) VCF-style: chr3-48624723-C-G.
Other names: short protein forms Q1013H.
Identifiers: ClinVar variation 1376546 (VCV001376546.7), dbSNP rs570498790, ClinGen allele CA2380659.

ClinVar aggregate classification (germline): Uncertain significance (1 of 4 stars; one submission).

Allele frequency attached by ClinVar (database versions not stated): 1000 Genomes Project 30x 0.00016; 1000 Genomes Project 0.00020.
gnomAD v4.1: 6 of 1,606,884 alleles (0.00037%); highest among the groups gnomAD compares: African/African-American, 0.008%; no homozygotes.

Submission:

Labcorp Genetics (formerly Invitae), Labcorp
Classification: Uncertain significance. Last evaluated: 2024-08-02. Review status: criteria provided, single submitter. Criteria: Invitae Variant Classification Sherloc (09022015). Collection method: clinical testing. Allele origin: germline.
Comment: This sequence change replaces glutamine, which is neutral and polar, with histidine, which is basic and polar, at codon 1013 of the COL7A1 protein (p.Gln1013His). This variant is present in population databases (rs570498790, gnomAD 0.007%). This variant has not been reported in the literature in individuals affected with COL7A1-related conditions. ClinVar contains an entry for this variant (Variation ID: 1376546). Advanced modeling of protein sequence and biophysical properties (such as structural, functional, and spatial information, amino acid conservation, physicochemical variation, residue mobility, and thermodynamic stability) performed at Invitae indicates that this missense variant is not expected to disrupt COL7A1 protein function with a negative predictive value of 95%. In summary, the available evidence is currently insufficient to determine the role of this variant in disease. Therefore, it has been classified as a Variant of Uncertain Significance.